The following is an entry in ClinVar:

NM_006147.4(IRF6):c.378del (p.Gly127fs)

Gene: IRF6 (interferon regulatory factor 6; minus strand). Cytogenetic location: 1q32.2.
Variant type: Deletion.
Coding change: c.378del on transcript NM_006147.4 (MANE Select); coding-DNA position 378, one base deleted (A; older notation c.378delA).
Protein change: p.Gly127fs; shifts the reading frame from glycine 127.
Molecular consequence: frameshift variant.
Genome position (GRCh38, 1-based): chr1:209,796,349, T deleted on the plus strand (A on the coding strand, the reverse complement: IRF6 is on the minus strand). VCF-style (leftmost placement, unchanged base first): chr1-209796348-CT-C. GRCh37 (hg19) VCF-style: chr1-209969693-CT-C.
Other names: c.93del, p.Gly32fs (NM_001206696.2); short protein forms G127fs, G32fs.
Identifiers: ClinVar variation 3347376 (VCV003347376.1).

ClinVar aggregate classification (germline): Likely pathogenic (0 of 4 stars; one submission).

Conditions:
IRF6-related condition. Also called: IRF6-related disorder; IRF6-Related Disorders. Identifiers: MedGen CN378148, MONDO:1040010.

Submission:

PreventionGenetics, part of Exact Sciences
Classification: Likely pathogenic for IRF6-related condition. Last evaluated: 2024-08-15. Review status: no assertion criteria provided. Collection method: clinical testing. Allele origin: germline.
Comment: The IRF6 c.378delA variant is predicted to result in a frameshift and premature protein termination (p.Gly127Aspfs*40). To our knowledge, this variant has not been reported in the literature or in a large population database, indicating this variant is rare. Frameshift variants in IRF6 are expected to be pathogenic. This variant is interpreted as likely pathogenic.